The following is an entry in ClinVar:

ClinVar aggregate classification (germline): Uncertain significance. Review status: criteria provided, multiple submitters, no conflicts (2 of 4 stars). 2 submissions from 2 submitters: Uncertain significance (2). Last evaluated 2025-07-14.

Conditions:
Tuberous sclerosis syndrome (TSC). Also called: Tuberous Sclerosis Complex; Tuberous sclerosis. Identifiers: Orphanet 805, MedGen C0041341, MONDO:0001734.
Tuberous sclerosis 2 (TSC2). Identifiers: Orphanet 805, MedGen C1860707, MONDO:0013199, OMIM 613254.

Submissions (2):

Color Diagnostics, LLC DBA Color Health
Classification: Uncertain significance for Tuberous sclerosis syndrome. Last evaluated: 2025-07-14. Review status: criteria provided, single submitter. Criteria: ACMG Guidelines, 2015. Collection method: clinical testing. Allele origin: germline.
Comment: This missense variant replaces isoleucine with methionine at codon 893 of the TSC2 protein. Computational prediction is inconclusive regarding the impact of this variant on protein structure and function. To our knowledge, functional studies have not been reported for this variant. This variant has not been reported in individuals affected with TSC2-related disorders in the literature. This variant has not been identified in the general population by the Genome Aggregation Database (gnomAD). The available evidence is insufficient to determine the role of this variant in disease conclusively. Therefore, this variant is classified as a Variant of Uncertain Significance.

Labcorp Genetics (formerly Invitae), Labcorp
Classification: Uncertain significance for Tuberous sclerosis 2. Last evaluated: 2023-11-10. Review status: criteria provided, single submitter. Criteria: Invitae Variant Classification Sherloc (09022015). Collection method: clinical testing. Allele origin: germline.
Comment: This sequence change replaces isoleucine, which is neutral and non-polar, with methionine, which is neutral and non-polar, at codon 893 of the TSC2 protein (p.Ile893Met). This variant is not present in population databases (gnomAD no frequency). This variant has not been reported in the literature in individuals affected with TSC2-related conditions. Advanced modeling of protein sequence and biophysical properties (such as structural, functional, and spatial information, amino acid conservation, physicochemical variation, residue mobility, and thermodynamic stability) performed at Invitae indicates that this missense variant is not expected to disrupt TSC2 protein function with a negative predictive value of 95%. In summary, the available evidence is currently insufficient to determine the role of this variant in disease. Therefore, it has been classified as a Variant of Uncertain Significance.

NM_000548.5(TSC2):c.2679A>G (p.Ile893Met)

Gene: TSC2 (TSC complex subunit 2; plus strand). Cytogenetic location: 16p13.3.
Variant type: single nucleotide variant.
Coding change: c.2679A>G on transcript NM_000548.5 (MANE Select); coding-DNA position 2679, A replaced by G.
Protein change: p.Ile893Met; replaces isoleucine 893 with methionine.
Molecular consequence: missense variant. On other transcripts: non-coding transcript variant (5).
Genome position (GRCh38, 1-based): chr16:2,076,107, A>G. VCF-style: chr16-2076107-A-G. GRCh37 (hg19) VCF-style: chr16-2126108-A-G.
Other names: c.2679A>G, p.Ile893Met (NM_001077183.3, NM_001114382.3, NM_001363528.2 and 6 more transcripts); c.2568A>G, p.Ile856Met (NM_001318827.2, NM_001406670.1, NM_001406678.1); c.2532A>G, p.Ile844Met (NM_001318829.2, NM_001406675.1, NM_001406676.1 and 1 more transcripts); c.2079A>G, p.Ile693Met (NM_001318831.2, NM_001406688.1, NM_001406680.1 and 6 more transcripts); c.2712A>G, p.Ile904Met (NM_001318832.2); c.2769A>G, p.Ile923Met (NM_001406667.1, NM_001406668.1); c.2667A>G, p.Ile889Met (NM_001406671.1, NM_001406673.1); c.2622A>G, p.Ile874Met (NM_001406677.1); and 3 more; short protein forms I874M, I889M, I904M, I923M, I693M, I739M, I893M, I359M.
Identifiers: ClinVar variation 2694660 (VCV002694660.4), dbSNP rs2151387290, ClinGen allele CA394279328.